The following is an entry in ClinVar:

NM_002296.4(LBR):c.1528G>A (p.Ala510Thr)

Gene: LBR (lamin B receptor; minus strand). Cytogenetic location: 1q42.12.
Variant type: single nucleotide variant.
Coding change: c.1528G>A on transcript NM_002296.4 (MANE Select); coding-DNA position 1528, G replaced by A.
Protein change: p.Ala510Thr; replaces alanine 510 with threonine.
Molecular consequence: missense variant.
Genome position (GRCh38, 1-based): chr1:225,404,662, C>T on the plus strand (G>A on the coding strand, the complement: LBR is on the minus strand). VCF-style: chr1-225404662-C-T. GRCh37 (hg19) VCF-style: chr1-225592364-C-T.
Other names: c.1528G>A, p.Ala510Thr (NM_194442.3); short protein forms A510T.
Identifiers: ClinVar variation 586109 (VCV000586109.21), dbSNP rs78828796, ClinGen allele CA1417119.

ClinVar aggregate classification (germline): Benign/Likely benign. Review status: criteria provided, multiple submitters, no conflicts (2 of 4 stars). 6 submissions from 6 submitters: Benign (3); Likely benign (2). 1 of the submissions does not count toward it. Last evaluated 2025-07-09.

Conditions:
LBR-related disorder. Also called: LBR-related condition; LBR-related disorders.
Greenberg dysplasia (GRBGD). Also called: CHONDRODYSTROPHY, HYDROPIC AND PRENATALLY LETHAL TYPE; HEM SKELETAL DYSPLASIA; MOTH-EATEN SKELETAL DYSPLASIA. Identifiers: Orphanet 1426, MedGen C2931048, MONDO:0008974, OMIM 215140.

Allele frequency attached by ClinVar (database versions not stated): gnomAD exomes 0.00026 and 0.00097; gnomAD 0.00027 and 0.00046; TOPMed 0.00062; ExAC 0.00095; 1000 Genomes Project 30x 0.00390; 1000 Genomes Project 0.00399.
gnomAD v4.1: 465 of 1,611,812 alleles (0.029%); highest among the groups gnomAD compares: East Asian, 0.84%; 2 homozygotes.

Submissions (6):

Labcorp Genetics (formerly Invitae), Labcorp
Classification: Benign. Last evaluated: 2025-07-09. Review status: criteria provided, single submitter. Criteria: Invitae Variant Classification Sherloc (09022015). Collection method: clinical testing. Allele origin: germline.

Blueprint Genetics
Classification: Likely benign. Last evaluated: 2024-11-21. Review status: criteria provided, single submitter. Criteria: ACMG Guidelines, 2015. Collection method: clinical testing. Allele origin: germline.

GeneDx
Classification: Likely benign. Last evaluated: 2018-10-16. Review status: criteria provided, single submitter. Criteria: GeneDx Variant Classification Process June 2021. Collection method: clinical testing. Allele origin: germline. Affected: yes.

Illumina Laboratory Services, Illumina
Classification: Benign for Greenberg dysplasia. Last evaluated: 2018-01-12. Review status: criteria provided, single submitter. Criteria: ICSL Variant Classification Criteria 13 December 2019. Collection method: clinical testing. Allele origin: germline.
Comment: This variant was observed in the ICSL laboratory as part of a predisposition screen in an ostensibly healthy population. It had not been previously curated by ICSL or reported in the Human Gene Mutation Database (HGMD: prior to June 1st, 2018), and was therefore a candidate for classification through an automated scoring system. Utilizing variant allele frequency, disease prevalence and penetrance estimates, and inheritance mode, an automated score was calculated to assess if this variant is too frequent to cause the disease. Based on the score and internal cut-off values, a variant classified as benign is not then subjected to further curation. The score for this variant resulted in a classification of benign for this disease.

Athena Diagnostics
Classification: Benign. Last evaluated: 2017-09-18. Review status: criteria provided, single submitter. Criteria: Athena Diagnostics Criteria. Collection method: clinical testing. Allele origin: germline.

PreventionGenetics, part of Exact Sciences
Classification: Benign for LBR-related condition. Last evaluated: 2019-07-31. Review status: no assertion criteria provided. Collection method: clinical testing. Allele origin: germline. Not counted in ClinVar's aggregate classification.
Comment: This variant is classified as benign based on ACMG/AMP sequence variant interpretation guidelines (Richards et al. 2015 PMID: 25741868, with internal and published modifications).